The following is an entry in ClinVar:

NM_032122.5(DTNBP1):c.478A>G (p.Lys160Glu)

Gene: DTNBP1 (dystrobrevin binding protein 1; minus strand). Cytogenetic location: 6p22.3.
Variant type: single nucleotide variant.
Coding change: c.478A>G on transcript NM_032122.5 (MANE Select); coding-DNA position 478, A replaced by G.
Protein change: p.Lys160Glu; replaces lysine 160 with glutamic acid.
Molecular consequence: missense variant. On other transcripts: non-coding transcript variant (1).
Genome position (GRCh38, 1-based): chr6:15,615,277, T>C on the plus strand (A>G on the coding strand, the complement: DTNBP1 is on the minus strand). VCF-style: chr6-15615277-T-C. GRCh37 (hg19) VCF-style: chr6-15615508-T-C.
Other names: c.235A>G, p.Lys79Glu (NM_001271667.2, NM_183041.1); c.427A>G, p.Lys143Glu (NM_001271668.2); c.373A>G, p.Lys125Glu (NM_001271669.2); c.478A>G, p.Lys160Glu (NM_183040.2); short protein forms K143E, K125E, K160E, K79E.
Identifiers: ClinVar variation 1971681 (VCV001971681.2), dbSNP rs965902635, ClinGen allele CA134865810.

ClinVar aggregate classification (germline): Uncertain significance (1 of 4 stars; one submission).

Allele frequency attached by ClinVar (database versions not stated): gnomAD exomes below 0.00001; TOPMed 0.00001.
gnomAD v4.1: 5 of 1,614,198 alleles (0.00031%); highest among the groups gnomAD compares: Admixed American, 0.0033%; no homozygotes.

Submission:

Labcorp Genetics (formerly Invitae), Labcorp
Classification: Uncertain significance. Last evaluated: 2022-07-03. Review status: criteria provided, single submitter. Criteria: Invitae Variant Classification Sherloc (09022015). Collection method: clinical testing. Allele origin: germline.
Comment: This sequence change replaces lysine, which is basic and polar, with glutamic acid, which is acidic and polar, at codon 160 of the DTNBP1 protein (p.Lys160Glu). This variant is present in population databases (no rsID available, gnomAD 0.006%). This variant has not been reported in the literature in individuals affected with DTNBP1-related conditions. Algorithms developed to predict the effect of missense changes on protein structure and function are either unavailable or do not agree on the potential impact of this missense change (SIFT: "Deleterious"; PolyPhen-2: "Benign"; Align-GVGD: "Class C0"). In summary, the available evidence is currently insufficient to determine the role of this variant in disease. Therefore, it has been classified as a Variant of Uncertain Significance.